The following is an entry in ClinVar:

ClinVar aggregate classification (germline): Uncertain significance (1 of 4 stars; one submission).

Allele frequency attached by ClinVar (database versions not stated): gnomAD 0.00002 and 0.00003; TOPMed 0.00003; ExAC 0.00005; gnomAD exomes 0.00006; ESP Exome Variant Server 0.00008; 1000 Genomes Project 30x 0.00016; 1000 Genomes Project 0.00020.
gnomAD v4.1: 43 of 1,614,102 alleles (0.0027%); highest among the groups gnomAD compares: East Asian, 0.022%; no homozygotes.

Submission:

GeneDx
Classification: Uncertain significance. Last evaluated: 2020-07-30. Review status: criteria provided, single submitter. Criteria: GeneDx Variant Classification Process June 2021. Collection method: clinical testing. Allele origin: germline. Affected: yes.
Comment: In silico analysis, which includes protein predictors and evolutionary conservation, supports a deleterious effect; Has not been previously published as pathogenic or benign to our knowledge

NM_006297.3(XRCC1):c.1016G>A (p.Arg339Gln)

Gene: XRCC1 (X-ray repair cross complementing 1; minus strand). Cytogenetic location: 19q13.31.
Variant type: single nucleotide variant.
Coding change: c.1016G>A on transcript NM_006297.3 (MANE Select); coding-DNA position 1016, G replaced by A.
Protein change: p.Arg339Gln; replaces arginine 339 with glutamine.
Molecular consequence: missense variant.
Genome position (GRCh38, 1-based): chr19:43,552,083, C>T on the plus strand (G>A on the coding strand, the complement: XRCC1 is on the minus strand). VCF-style: chr19-43552083-C-T. GRCh37 (hg19) VCF-style: chr19-44056235-C-T.
Other names: short protein forms R339Q.
Identifiers: ClinVar variation 1306871 (VCV001306871.2), dbSNP rs377566281, ClinGen allele CA9488594.